The following is an entry in ClinVar:

ClinVar aggregate classification (germline): Uncertain significance. Review status: criteria provided, multiple submitters, no conflicts (2 of 4 stars). 2 submissions from 2 submitters: Uncertain significance (2). Last evaluated 2025-08-14.

Conditions:
Hereditary pancreatitis (PCTT). Also called: Hereditary chronic pancreatitis; PRSS1-Related Hereditary Pancreatitis. Identifiers: Orphanet 676, MedGen C0238339, MONDO:0008185, OMIM 167800.

Allele frequency attached by ClinVar (database versions not stated): gnomAD exomes below 0.00001; TOPMed 0.00001; gnomAD 0.00003.

Submissions (2):

Labcorp Genetics (formerly Invitae), Labcorp
Classification: Uncertain significance. Last evaluated: 2025-08-14. Review status: criteria provided, single submitter. Criteria: Invitae Variant Classification Sherloc (09022015). Collection method: clinical testing. Allele origin: germline.
Comment: This sequence change replaces serine, which is neutral and polar, with glycine, which is neutral and non-polar, at codon 231 of the CPA1 protein (p.Ser231Gly). The frequency data for this variant in the population databases is considered unreliable, as metrics indicate poor data quality at this position in the gnomAD database. This variant has not been reported in the literature in individuals affected with CPA1-related conditions. ClinVar contains an entry for this variant (Variation ID: 966893). Invitae Evidence Modeling of protein sequence and biophysical properties (such as structural, functional, and spatial information, amino acid conservation, physicochemical variation, residue mobility, and thermodynamic stability) indicates that this missense variant is not expected to disrupt CPA1 protein function with a negative predictive value of 80%. In summary, the available evidence is currently insufficient to determine the role of this variant in disease. Therefore, it has been classified as a Variant of Uncertain Significance.

Ambry Genetics
Classification: Uncertain significance for Hereditary pancreatitis. Last evaluated: 2023-10-20. Review status: criteria provided, single submitter. Criteria: Ambry Variant Classification Scheme 2023. Collection method: clinical testing. Allele origin: germline.
Comment: The p.S231G variant (also known as c.691A>G), located in coding exon 6 of the CPA1 gene, results from an A to G substitution at nucleotide position 691. The serine at codon 231 is replaced by glycine, an amino acid with similar properties. This amino acid position is poorly conserved in available vertebrate species. In addition, this alteration is predicted to be tolerated by in silico analysis. Since supporting evidence is limited at this time, the clinical significance of this alteration remains unclear.

NM_001868.4(CPA1):c.691A>G (p.Ser231Gly)

Gene: CPA1 (carboxypeptidase A1; plus strand). Cytogenetic location: 7q32.2.
Variant type: single nucleotide variant.
Coding change: c.691A>G on transcript NM_001868.4 (MANE Select); coding-DNA position 691, A replaced by G.
Protein change: p.Ser231Gly; replaces serine 231 with glycine.
Molecular consequence: missense variant.
Genome position (GRCh38, 1-based): chr7:130,383,789, A>G. VCF-style: chr7-130383789-A-G. GRCh37 (hg19) VCF-style: chr7-130023630-A-G.
Other names: short protein forms S231G.
Identifiers: ClinVar variation 966893 (VCV000966893.11), dbSNP rs1040062912, ClinGen allele CA166890333.